The following is an entry in ClinVar:

NM_001297.5(CNGB1):c.2030G>T (p.Arg677Leu)

Gene: CNGB1 (cyclic nucleotide gated channel subunit beta 1; minus strand). Cytogenetic location: 16q21.
Variant type: single nucleotide variant.
Coding change: c.2030G>T on transcript NM_001297.5 (MANE Select); coding-DNA position 2030, G replaced by T.
Protein change: p.Arg677Leu; replaces arginine 677 with leucine.
Molecular consequence: missense variant.
Genome position (GRCh38, 1-based): chr16:57,917,404, C>A on the plus strand (G>T on the coding strand, the complement: CNGB1 is on the minus strand). VCF-style: chr16-57917404-C-A. GRCh37 (hg19) VCF-style: chr16-57951308-C-A.
Other names: c.2012G>T, p.Arg671Leu (NM_001286130.2); short protein forms R677L, R671L.
Identifiers: ClinVar variation 320082 (VCV000320082.34), dbSNP rs375519490, ClinGen allele CA8083193.

ClinVar aggregate classification (germline): Conflicting classifications of pathogenicity. Review status: criteria provided, conflicting classifications (1 of 4 stars). 4 submissions from 4 submitters: Likely pathogenic (1); Uncertain significance (3). Last evaluated 2024-10-25.

Conditions:
CNGB1-related disorder. Also called: CNGB1-related condition.
Retinitis pigmentosa (RP). Identifiers: Orphanet 791, MedGen C0035334, MeSH D012174, MONDO:0019200, OMIM 268000. Inheritance: Autosomal dominant, autosomal recessive and X linked inheritance.

Allele frequency attached by ClinVar (database versions not stated): TOPMed 0.00003; ESP Exome Variant Server 0.00016.
gnomAD v4.1: 96 of 1,613,954 alleles (0.0059%); highest among the groups gnomAD compares: Non-Finnish European, 0.0075%; no homozygotes.

Submissions (4):

Labcorp Genetics (formerly Invitae), Labcorp
Classification: Uncertain significance. Last evaluated: 2024-10-25. Review status: criteria provided, single submitter. Criteria: Invitae Variant Classification Sherloc (09022015). Collection method: clinical testing. Allele origin: germline.
Comment: This sequence change replaces arginine, which is basic and polar, with leucine, which is neutral and non-polar, at codon 677 of the CNGB1 protein (p.Arg677Leu). This variant is present in population databases (rs375519490, gnomAD 0.03%). This variant has not been reported in the literature in individuals affected with CNGB1-related conditions. ClinVar contains an entry for this variant (Variation ID: 320082). Invitae Evidence Modeling of protein sequence and biophysical properties (such as structural, functional, and spatial information, amino acid conservation, physicochemical variation, residue mobility, and thermodynamic stability) has been performed for this missense variant. However, the output from this modeling did not meet the statistical confidence thresholds required to predict the impact of this variant on CNGB1 protein function. Algorithms developed to predict the effect of sequence changes on RNA splicing suggest that this variant may create or strengthen a splice site. This variant disrupts the p.Arg677 amino acid residue in CNGB1. Other variant(s) that disrupt this residue have been determined to be pathogenic (PMID: 30902645; internal data). This suggests that this residue is clinically significant, and that variants that disrupt this residue are likely to be disease-causing. In summary, the available evidence is currently insufficient to determine the role of this variant in disease. Therefore, it has been classified as a Variant of Uncertain Significance.

Blueprint Genetics
Classification: Likely pathogenic for CNGB1-related disorders. Last evaluated: 2024-08-13. Review status: criteria provided, single submitter. Criteria: ACMG Guidelines, 2015. Collection method: clinical testing. Allele origin: germline. Affected: yes. Observed: 5 variant alleles.

CeGaT Center for Human Genetics Tuebingen
Classification: Uncertain significance. Last evaluated: 2024-01-01. Review status: criteria provided, single submitter. Criteria: CeGaT Center For Human Genetics Tuebingen Variant Classification Criteria Version 2. Collection method: clinical testing. Allele origin: germline. Affected: yes. Observed: 1 variant allele.
Comment: CNGB1: PM2, PM5

Illumina Laboratory Services, Illumina
Classification: Uncertain significance for Retinitis pigmentosa. Last evaluated: 2018-01-12. Review status: criteria provided, single submitter. Criteria: ICSL Variant Classification Criteria 13 December 2019. Collection method: clinical testing. Allele origin: germline.

Literature cited by the submitters: PubMed 30902645 (cited by Labcorp Genetics (formerly Invitae), Labcorp).